The following is an entry in ClinVar:

NM_005359.6(SMAD4):c.736C>A (p.Pro246Thr)

Gene: SMAD4 (SMAD family member 4; plus strand). Cytogenetic location: 18q21.2.
Variant type: single nucleotide variant.
Coding change: c.736C>A on transcript NM_005359.6 (MANE Select); coding-DNA position 736, C replaced by A.
Protein change: p.Pro246Thr; replaces proline 246 with threonine.
Molecular consequence: missense variant.
Genome position (GRCh38, 1-based): chr18:51,058,193, C>A. VCF-style: chr18-51058193-C-A. GRCh37 (hg19) VCF-style: chr18-48584563-C-A.
Other names: short protein forms P246T.
Identifiers: ClinVar variation 232751 (VCV000232751.27), dbSNP rs876659967, ClinGen allele CA10580980.

ClinVar aggregate classification (germline): Conflicting classifications of pathogenicity. Review status: criteria provided, conflicting classifications (1 of 4 stars). 12 submissions from 10 submitters: Uncertain significance (9); Benign (1); Likely benign (1). 1 of the submissions does not count toward it. Last evaluated 2025-09-11.

Conditions:
Early age onset of sporadic thoracic aortic dissections.
Heritable Thoracic Aortic Disease. Also called: Heritable Thoracic Aortic Disease (HTAD). Identifiers: MedGen CN868256.
Hereditary cancer-predisposing syndrome. Also called: Tumor predisposition; Neoplastic Syndromes, Hereditary; Hereditary neoplastic syndrome; Hereditary Cancer Syndrome. Identifiers: Orphanet 140162, MedGen C0027672, MeSH D009386, MONDO:0015356.
Familial thoracic aortic aneurysm and aortic dissection (TAAD). Also called: Thoracic aortic aneurysms and dissections. Identifiers: Orphanet 91387, MedGen C4707243, MONDO:0019625.
Juvenile polyposis syndrome (JPS). Identifiers: Orphanet 2929, MedGen C0345893, MONDO:0017380, OMIM 174900.
Juvenile polyposis/hereditary hemorrhagic telangiectasia syndrome (JPHT). Also called: Juvenile Polyposis Syndrome / Hereditary Hemorrhagic Telangiectasia (JPS/HHT); JP/HHT SYNDROME; JUVENILE POLYPOSIS WITH HEREDITARY HEMORRHAGIC TELANGIECTASIA; POLYPOSIS, GENERALIZED JUVENILE, WITH PULMONARY ARTERIOVENOUS MALFORMATION; TELANGIECTASIA, HEREDITARY HEMORRHAGIC, WITH JUVENILE POLYPOSIS COLI. Identifiers: Orphanet 2929, MedGen C1832942, MONDO:0008278, OMIM 175050.
Generalized juvenile polyposis/juvenile polyposis coli. Also called: Juvenile polyposis coli. Identifiers: Orphanet 329971, MedGen C1868081, MONDO:0008276.
Myhre syndrome (MYHRS). Also called: LARYNGOTRACHEAL STENOSIS, ARTHROPATHY, PROGNATHISM, AND SHORT STATURE; LAPS SYNDROME. Identifiers: Orphanet 2588, MedGen C0796081, MONDO:0007688, OMIM 139210.

Allele frequency attached by ClinVar (database versions not stated): gnomAD exomes 0.00001.
gnomAD v4.1: 1 of 1,614,134 alleles (0.000062%); highest among the groups gnomAD compares: Non-Finnish European, 0.000085%; no homozygotes.

Submissions (12):

Labcorp Genetics (formerly Invitae), Labcorp
Classification: Benign for Juvenile polyposis syndrome. Last evaluated: 2025-09-11. Review status: criteria provided, single submitter. Criteria: Invitae Variant Classification Sherloc (09022015). Collection method: clinical testing. Allele origin: germline.

Quest Diagnostics Nichols Institute San Juan Capistrano
Classification: Uncertain significance. Last evaluated: 2025-02-18. Review status: criteria provided, single submitter. Criteria: Quest Diagnostics criteria. Collection method: clinical testing. Allele origin: unknown.
Comment: The SMAD4 c.736C>A (p.Pro246Thr) variant has been reported in the published literature in an individual with thoracic aortic dissections (PMID: 30809044 (2019), 36158166 (2021)). Assessment of experimental evidence regarding the effect of this variant on protein function suggests it has no effect relevant to disease (PMID: 30809044 (2019)). The frequency of this variant in the general population (Genome Aggregation Database) is uninformative in the assessment of its pathogenicity. Analysis of this variant using bioinformatics tools for the prediction of the effect of amino acid changes on protein structure and function yielded predictions that this variant is benign. Based on the available information, we are unable to determine the clinical significance of this variant.

Women's Health and Genetics/Laboratory Corporation of America, LabCorp
Classification: Uncertain significance. Last evaluated: 2025-02-11. Review status: criteria provided, single submitter. Criteria: LabCorp Variant Classification Summary - May 2015. Collection method: clinical testing. Allele origin: germline.
Comment: Variant summary: SMAD4 c.736C>A (p.Pro246Thr) results in a non-conservative amino acid change in the encoded protein sequence. Three of five in-silico tools predict a damaging effect of the variant on protein function. The variant allele was found at a frequency of 8e-06 in 251442 control chromosomes (gnomAD). The available data on variant occurrences in the general population are insufficient to allow any conclusion about variant significance. c.736C>A has been reported in the literature in an individual(s) affected with Thoracic Aortic Aneurysms And Dissections (Duan_2019). This report does not provide unequivocal conclusions about association of the variant with Thoracic Aortic Aneurysms And Dissections. To our knowledge, no experimental evidence demonstrating an impact on protein function has been reported. The following publication has been ascertained in the context of this evaluation (PMID: 30809044). ClinVar contains an entry for this variant (Variation ID: 232751). Based on the evidence outlined above, the variant was classified as uncertain significance.

All of Us Research Program, National Institutes of Health
Classification: Uncertain significance for Juvenile polyposis/hereditary hemorrhagic telangiectasia syndrome. Last evaluated: 2024-07-20. Review status: criteria provided, single submitter. Criteria: ACMG Guidelines, 2015. Collection method: clinical testing. Allele origin: germline. Inheritance: Autosomal dominant inheritance. Observed: 1 variant allele, 1 heterozygote.
Comment: This missense variant replaces proline with threonine at codon 246 of the SMAD4 protein. Computational prediction suggests that this variant may not impact protein structure and function (internally defined REVEL score threshold <= 0.5, PMID: 27666373). To our knowledge, functional studies have not been reported for this variant. This variant has been reported in an individual affected with aortic dissection (PMID: 30809044). This variant has been identified in 2/251442 chromosomes in the general population by the Genome Aggregation Database (gnomAD). The available evidence is insufficient to determine the role of this variant in disease conclusively. Therefore, this variant is classified as a Variant of Uncertain Significance.

This study involves interpretation of variants in research participants for the purpose of population health screening. Participant phenotype was not available at the time of variant classification. Additional details can be found in publication PMID: 35346344, PMCID: PMC8962531

Color Diagnostics, LLC DBA Color Health
Classification: Uncertain significance for Hereditary cancer-predisposing syndrome. Last evaluated: 2024-07-11. Review status: criteria provided, single submitter. Criteria: ACMG Guidelines, 2015. Collection method: clinical testing. Allele origin: germline.
Comment: This missense variant replaces proline with threonine at codon 246 of the SMAD4 protein. Computational prediction suggests that this variant may not impact protein structure and function (internally defined REVEL score threshold <= 0.5, PMID: 27666373). To our knowledge, functional studies have not been reported for this variant. This variant has been reported in an individual affected with aortic dissection (PMID: 30809044). This variant has been identified in 2/251442 chromosomes in the general population by the Genome Aggregation Database (gnomAD). The available evidence is insufficient to determine the role of this variant in disease conclusively. Therefore, this variant is classified as a Variant of Uncertain Significance.

Ambry Genetics
Classification: Likely benign for Hereditary cancer-predisposing syndrome; Familial thoracic aortic aneurysm and aortic dissection. Last evaluated: 2022-05-31. Review status: criteria provided, single submitter. Criteria: Ambry Variant Classification Scheme 2023. Collection method: clinical testing. Allele origin: germline.

Department of Internal Medicine, The University of Texas McGovern Medical School, The University of Texas Health Science Center at Houston
Classification: Uncertain significance for Heritable Thoracic Aortic Disease. Last evaluated: 2018-04-01. Review status: criteria provided, single submitter. Criteria: ACMG Guidelines, 2015. Collection method: research. Allele origin: germline. Affected: yes. Observed: 1 variant allele.

Illumina Laboratory Services, Illumina
Classification: Uncertain significance for Myhre syndrome. Last evaluated: 2018-01-13. Review status: criteria provided, single submitter. Criteria: ICSL Variant Classification Criteria 13 December 2019. Collection method: clinical testing. Allele origin: germline.

Illumina Laboratory Services, Illumina
Classification: Uncertain significance for Juvenile polyposis syndrome. Last evaluated: 2018-01-13. Review status: criteria provided, single submitter. Criteria: ICSL Variant Classification Criteria 13 December 2019. Collection method: clinical testing. Allele origin: germline.

Illumina Laboratory Services, Illumina
Classification: Uncertain significance for Juvenile polyposis/hereditary hemorrhagic telangiectasia syndrome. Last evaluated: 2018-01-13. Review status: criteria provided, single submitter. Criteria: ICSL Variant Classification Criteria 13 December 2019. Collection method: clinical testing. Allele origin: germline.

GeneDx
Classification: Uncertain significance. Last evaluated: 2017-05-19. Review status: criteria provided, single submitter. Criteria: GeneDx Variant Classification Process June 2021. Collection method: clinical testing. Allele origin: germline. Affected: yes.

University of Washington Center for Mendelian Genomics, University of Washington
Classification: Uncertain significance for Early age onset of sporadic thoracic aortic dissections. Review status: no assertion criteria provided. Collection method: research. Allele origin: unknown. Affected: yes. Not counted in ClinVar's aggregate classification.

Literature cited by the submitters: PubMed 30809044 (cited by 5 submitters); PubMed 36158166 (cited by Quest Diagnostics Nichols Institute San Juan Capistrano).